The following is an entry in ClinVar:

NM_015631.6(TCTN3):c.1452+100A>G

Gene: TCTN3 (tectonic family member 3; minus strand). Cytogenetic location: 10q24.1.
Variant type: single nucleotide variant.
Coding change: c.1452+100A>G on transcript NM_015631.6 (MANE Select); 100 bases into the intron after coding-DNA position 1452, A replaced by G.
Molecular consequence: intron variant.
Genome position (GRCh38, 1-based): chr10:95,682,551, T>C on the plus strand (A>G on the coding strand, the complement: TCTN3 is on the minus strand). VCF-style: chr10-95682551-T-C. GRCh37 (hg19) VCF-style: chr10-97442308-T-C.
Other names: c.1008+100A>G (NM_001143973.2).
Identifiers: ClinVar variation 675213 (VCV000675213.2), dbSNP rs3818833, ClinGen allele CA211802459.

ClinVar aggregate classification (germline): Benign. Review status: criteria provided, multiple submitters, no conflicts (2 of 4 stars). 2 submissions from 2 submitters: Benign (2). Last evaluated 2018-06-19.

Allele frequency attached by ClinVar (database versions not stated): gnomAD exomes 0.06656; 1000 Genomes Project 30x 0.06824; 1000 Genomes Project 0.06929; TOPMed 0.07234; gnomAD 0.07298 and 0.07392.
gnomAD v4.1: 90,701 of 1,352,124 alleles (6.7%); highest among the groups gnomAD compares: African/African-American, 9.6%; 3,300 homozygotes.

Submissions (2):

GeneDx
Classification: Benign. Last evaluated: 2018-06-19. Review status: criteria provided, single submitter. Criteria: GeneDx Variant Classification (06012015). Collection method: clinical testing. Allele origin: germline. Affected: yes.
Comment: This variant is considered likely benign or benign based on one or more of the following criteria: it is a conservative change, it occurs at a poorly conserved position in the protein, it is predicted to be benign by multiple in silico algorithms, and/or has population frequency not consistent with disease.

Breakthrough Genomics
Classification: Benign. Review status: criteria provided, single submitter. Criteria: ACMG Guidelines, 2015. Collection method: not provided. Allele origin: germline. Inheritance: Autosomal recessive inheritance. Affected: yes.